The following is an entry in ClinVar:

ClinVar aggregate classification (germline): Uncertain significance. Review status: criteria provided, multiple submitters, no conflicts (2 of 4 stars). 2 submissions from 2 submitters: Uncertain significance (2). Last evaluated 2025-02-16.

Allele frequency attached by ClinVar (database versions not stated): gnomAD 0.00002; gnomAD exomes 0.00005; TOPMed 0.00005; ExAC 0.00009; 1000 Genomes Project 0.00020; 1000 Genomes Project 30x 0.00031.
gnomAD v4.1: 33 of 1,614,086 alleles (0.002%); highest among the groups gnomAD compares: Admixed American, 0.055%; no homozygotes.

Submissions (2):

Labcorp Genetics (formerly Invitae), Labcorp
Classification: Uncertain significance. Last evaluated: 2025-02-16. Review status: criteria provided, single submitter. Criteria: Invitae Variant Classification Sherloc (09022015). Collection method: clinical testing. Allele origin: germline.
Comment: This sequence change replaces asparagine, which is neutral and polar, with aspartic acid, which is acidic and polar, at codon 338 of the TRAP1 protein (p.Asn338Asp). This variant is present in population databases (rs201373266, gnomAD 0.07%), and has an allele count higher than expected for a pathogenic variant. This variant has not been reported in the literature in individuals affected with TRAP1-related conditions. ClinVar contains an entry for this variant (Variation ID: 2078967). Invitae Evidence Modeling of protein sequence and biophysical properties (such as structural, functional, and spatial information, amino acid conservation, physicochemical variation, residue mobility, and thermodynamic stability) indicates that this missense variant is not expected to disrupt TRAP1 protein function with a negative predictive value of 80%. In summary, the available evidence is currently insufficient to determine the role of this variant in disease. Therefore, it has been classified as a Variant of Uncertain Significance.

Ambry Genetics
Classification: Uncertain significance. Last evaluated: 2023-10-03. Review status: criteria provided, single submitter. Criteria: Ambry Variant Classification Scheme 2023. Collection method: clinical testing. Allele origin: germline.

NM_016292.3(TRAP1):c.1012A>G (p.Asn338Asp)

Gene: TRAP1 (TNF receptor associated protein 1; minus strand). Cytogenetic location: 16p13.3.
Variant type: single nucleotide variant.
Coding change: c.1012A>G on transcript NM_016292.3 (MANE Select); coding-DNA position 1012, A replaced by G.
Protein change: p.Asn338Asp; replaces asparagine 338 with aspartic acid.
Molecular consequence: missense variant.
Genome position (GRCh38, 1-based): chr16:3,674,371, T>C on the plus strand (A>G on the coding strand, the complement: TRAP1 is on the minus strand). VCF-style: chr16-3674371-T-C. GRCh37 (hg19) VCF-style: chr16-3724372-T-C.
Other names: c.1012A>G (NM_016292.2); c.853A>G, p.Asn285Asp (NM_001272049.2); short protein forms N285D, N338D.
Identifiers: ClinVar variation 2078967 (VCV002078967.5), dbSNP rs201373266, ClinGen allele CA7868354.